The following is an entry in ClinVar:

NM_001135651.3(EIF2AK2):c.1249-5C>G

Gene: EIF2AK2 (eukaryotic translation initiation factor 2 alpha kinase 2; minus strand). Cytogenetic location: 2p22.2.
Variant type: single nucleotide variant.
Coding change: c.1249-5C>G on transcript NM_001135651.3 (MANE Select); 5 bases into the intron before coding-DNA position 1249, C replaced by G.
Molecular consequence: intron variant.
Genome position (GRCh38, 1-based): chr2:37,114,864, G>C on the plus strand (C>G on the coding strand, the complement: EIF2AK2 is on the minus strand). VCF-style: chr2-37114864-G-C. GRCh37 (hg19) VCF-style: chr2-37342007-G-C.
Other names: c.1249-5C>G (NM_002759.4); c.1126-5C>G (NM_001135652.2).
Identifiers: ClinVar variation 4769249 (VCV004769249.1).

ClinVar aggregate classification (germline): Uncertain significance (1 of 4 stars; one submission).

gnomAD v4.1: 16 of 1,358,388 alleles (0.0012%); highest among the groups gnomAD compares: South Asian, 0.023%; no homozygotes.

Submission:

Labcorp Genetics (formerly Invitae), Labcorp
Classification: Uncertain significance. Last evaluated: 2025-12-25. Review status: criteria provided, single submitter. Criteria: Invitae Variant Classification Sherloc (09022015). Collection method: clinical testing. Allele origin: germline.
Comment: This sequence change falls in intron 13 of the EIF2AK2 gene. It does not directly change the encoded amino acid sequence of the EIF2AK2 protein. The frequency data for this variant in the population databases is considered unreliable, as metrics indicate poor data quality at this position in the gnomAD database. This variant has not been reported in the literature in individuals affected with EIF2AK2-related conditions. Algorithms developed to predict the effect of sequence changes on RNA splicing suggest that this variant may disrupt the consensus splice site. In summary, the available evidence is currently insufficient to determine the role of this variant in disease. Therefore, it has been classified as a Variant of Uncertain Significance.